The following is an entry in ClinVar:

NM_001159699.2(FHL1):c.847C>A (p.His283Asn)

Gene: FHL1 (four and a half LIM domains 1; plus strand). Cytogenetic location: Xq26.3.
Variant type: single nucleotide variant.
Coding change: c.847C>A on transcript NM_001159699.2 (MANE Select); coding-DNA position 847, C replaced by A.
Protein change: p.His283Asn; replaces histidine 283 with asparagine.
Molecular consequence: missense variant. On other transcripts: 3 prime UTR variant (6), non-coding transcript variant (1).
Genome position (GRCh38, 1-based): chrX:136,209,981, C>A. VCF-style: chrX-136209981-C-A. GRCh37 (hg19) VCF-style: chrX-135292140-C-A.
Other names: c.799C>A, p.His267Asn (NM_001159700.2, NM_001159704.1, NM_001167819.1 and 4 more transcripts); c.886C>A, p.His296Asn (NM_001159701.2); c.*27C>A (NM_001159702.3, NM_001159703.2, NM_001330659.2 and 3 more transcripts); short protein forms H267N, H283N, H296N.
Identifiers: ClinVar variation 1357465 (VCV001357465.8), dbSNP rs2148383871, ClinGen allele CA414609863.
Genomic context (GRCh38, chrX:136,209,981, plus strand): 5'-GACTACTGCTTCCACTGCAAAAAATGCTCCGTGAATCTGGCCAACAAGCGCTTTGTTTTC[C>A]ACCAGGAGCAAGTGTATTGTCCCGACTGTGCCAAAAAGCTGTAAACTGACAGGGGCTCCT-3'
Protein context (NP_001153171.1, residues 273-293): VNLANKRFVF[His283Asn]QEQVYCPDCA

ClinVar aggregate classification (germline): Uncertain significance (1 of 4 stars; one submission).

Conditions:
X-linked myopathy with postural muscle atrophy. Also called: FHL1-Related Emery-Dreifuss Muscular Dystrophy, X-Linked. Identifiers: Orphanet 178461, MedGen C2678055, MONDO:0010401, OMIM 300696.

Submission:

Labcorp Genetics (formerly Invitae), Labcorp
Classification: Uncertain significance for X-linked myopathy with postural muscle atrophy. Last evaluated: 2021-05-30. Review status: criteria provided, single submitter. Criteria: Invitae Variant Classification Sherloc (09022015). Collection method: clinical testing. Allele origin: germline.
Comment: This sequence change replaces histidine with asparagine at codon 267 of the FHL1 protein (p.His267Asn). The histidine residue is weakly conserved and there is a small physicochemical difference between histidine and asparagine. This variant is not present in population databases (ExAC no frequency). This variant has not been reported in the literature in individuals with FHL1-related conditions. Algorithms developed to predict the effect of missense changes on protein structure and function are either unavailable or do not agree on the potential impact of this missense change (SIFT: "Tolerated"; PolyPhen-2: "Possibly Damaging"; Align-GVGD: "Class C0"). In summary, the available evidence is currently insufficient to determine the role of this variant in disease. Therefore, it has been classified as a Variant of Uncertain Significance.